The following is an entry in ClinVar:

ClinVar aggregate classification (germline): Uncertain significance (1 of 4 stars; one submission).

Conditions:
Encephalopathy, acute, infection-induced (herpes-specific), susceptibility to, 1. Also called: Herpes simplex encephalitis, susceptibility to, 1. Identifiers: Orphanet 1930, MedGen C2750180, MONDO:0024563, OMIM 610551.

Submission:

Labcorp Genetics (formerly Invitae), Labcorp
Classification: Uncertain significance for Encephalopathy, acute, infection-induced (herpes-specific), susceptibility to, 1. Last evaluated: 2020-02-28. Review status: criteria provided, single submitter. Criteria: Invitae Variant Classification Sherloc (09022015). Collection method: clinical testing. Allele origin: germline.
Comment: This variant has not been reported in the literature in individuals with TLR3-related conditions. This sequence change replaces asparagine with serine at codon 659 of the TLR3 protein (p.Asn659Ser). The asparagine residue is weakly conserved and there is a small physicochemical difference between asparagine and serine. This variant is not present in population databases (ExAC no frequency). Algorithms developed to predict the effect of missense changes on protein structure and function output the following: SIFT: "Tolerated"; PolyPhen-2: "Benign"; Align-GVGD: "Class C0". The serine amino acid residue is found in multiple mammalian species, suggesting that this missense change does not adversely affect protein function. These predictions have not been confirmed by published functional studies and their clinical significance is uncertain. Algorithms developed to predict the effect of sequence changes on RNA splicing suggest that this variant may create or strengthen a splice site, but this prediction has not been confirmed by published transcriptional studies. In summary, the available evidence is currently insufficient to determine the role of this variant in disease. Therefore, it has been classified as a Variant of Uncertain Significance.

NM_003265.3(TLR3):c.1976A>G (p.Asn659Ser)

Gene: TLR3 (toll like receptor 3; plus strand). Cytogenetic location: 4q35.1.
Variant type: single nucleotide variant.
Coding change: c.1976A>G on transcript NM_003265.3 (MANE Select); coding-DNA position 1976, A replaced by G.
Protein change: p.Asn659Ser; replaces asparagine 659 with serine.
Molecular consequence: missense variant.
Genome position (GRCh38, 1-based): chr4:186,083,662, A>G. VCF-style: chr4-186083662-A-G. GRCh37 (hg19) VCF-style: chr4-187004816-A-G.
Other names: short protein forms N659S.
Identifiers: ClinVar variation 1012014 (VCV001012014.9), dbSNP rs2099303903, ClinGen allele CA358934667.
Genomic context (GRCh38, chr4:186,083,662, plus strand): 5'-AGTTAGATATGCGCTTTAATCCCTTTGATTGCACGTGTGAAAGTATTGCCTGGTTTGTTA[A>G]TTGGATTAACGAGACCCATACCAACATCCCTGAGCTGTCAAGCCACTACCTTTGCAACAC-3'
Protein context (NP_003256.1, residues 649-669): CTCESIAWFV[Asn659Ser]WINETHTNIP